The following is an entry in ClinVar:

NM_020778.5(ALPK3):c.326C>A (p.Thr109Asn)

Gene: ALPK3 (alpha kinase 3; plus strand). Cytogenetic location: 15q25.3.
Variant type: single nucleotide variant.
Coding change: c.326C>A on transcript NM_020778.5 (MANE Select); coding-DNA position 326, C replaced by A.
Protein change: p.Thr109Asn; replaces threonine 109 with asparagine.
Molecular consequence: missense variant.
Genome position (GRCh38, 1-based): chr15:84,839,001, C>A. VCF-style: chr15-84839001-C-A. GRCh37 (hg19) VCF-style: chr15-85382232-C-A.
Other names: c.932C>A (NM_020778.4); short protein forms T109N.
Identifiers: ClinVar variation 2178756 (VCV002178756.7), dbSNP rs761439750, ClinGen allele CA7708941.

ClinVar aggregate classification (germline): Uncertain significance. Review status: criteria provided, multiple submitters, no conflicts (2 of 4 stars). 3 submissions from 3 submitters: Uncertain significance (3). Last evaluated 2025-12-15.

Conditions:
Cardiovascular phenotype. Identifiers: MedGen CN230736.

Allele frequency attached by ClinVar (database versions not stated): ExAC 0.00001; gnomAD 0.00003; TOPMed 0.00004; gnomAD exomes 0.00013.
gnomAD v4.1: 194 of 1,613,978 alleles (0.012%); highest among the groups gnomAD compares: Non-Finnish European, 0.016%; no homozygotes.

Submissions (3):

Labcorp Genetics (formerly Invitae), Labcorp
Classification: Uncertain significance. Last evaluated: 2025-12-15. Review status: criteria provided, single submitter. Criteria: Invitae Variant Classification Sherloc (09022015). Collection method: clinical testing. Allele origin: germline.
Comment: This sequence change replaces threonine, which is neutral and polar, with asparagine, which is neutral and polar, at codon 311 of the ALPK3 protein (p.Thr311Asn). This variant is present in population databases (rs761439750, gnomAD 0.005%). This variant has not been reported in the literature in individuals affected with ALPK3-related conditions. ClinVar contains an entry for this variant (Variation ID: 2178756). An algorithm developed to predict the effect of missense changes on protein structure and function (PolyPhen-2) suggests that this variant is likely to be disruptive. In summary, the available evidence is currently insufficient to determine the role of this variant in disease. Therefore, it has been classified as a Variant of Uncertain Significance.

Women's Health and Genetics/Laboratory Corporation of America, LabCorp
Classification: Uncertain significance. Last evaluated: 2025-11-17. Review status: criteria provided, single submitter. Criteria: LabCorp Variant Classification Summary - May 2015. Collection method: clinical testing. Allele origin: germline.

Ambry Genetics
Classification: Uncertain significance for Cardiovascular phenotype. Last evaluated: 2024-09-14. Review status: criteria provided, single submitter. Criteria: Ambry Variant Classification Scheme 2023. Collection method: clinical testing. Allele origin: germline.
Comment: The p.T311N variant (also known as c.932C>A), located in coding exon 4 of the ALPK3 gene, results from a C to A substitution at nucleotide position 932. The threonine at codon 311 is replaced by asparagine, an amino acid with similar properties. This amino acid position is conserved. In addition, this alteration is predicted to be tolerated by in silico analysis. Based on the available evidence, the clinical significance of this variant remains unclear.